The following is an entry in ClinVar:

ClinVar aggregate classification (germline): Uncertain significance (1 of 4 stars; one submission).

gnomAD v4.1: 10 of 1,549,242 alleles (0.00065%); highest among the groups gnomAD compares: Non-Finnish European, 0.00087%; no homozygotes.

Submission:

GeneDx
Classification: Uncertain significance. Last evaluated: 2025-07-31. Review status: criteria provided, single submitter. Criteria: GeneDx Variant Classification Process June 2021. Collection method: clinical testing. Allele origin: germline. Affected: yes.
Comment: Not observed at significant frequency in large population cohorts (gnomAD); In silico analysis suggests that this missense variant does not alter protein structure/function; Has not been previously published as pathogenic or benign to our knowledge

NM_005632.3(CAPN15):c.1375G>A (p.Val459Met)

Gene: CAPN15 (calpain 15; plus strand). Cytogenetic location: 16p13.3.
Variant type: single nucleotide variant.
Coding change: c.1375G>A on transcript NM_005632.3 (MANE Select); coding-DNA position 1375, G replaced by A.
Protein change: p.Val459Met; replaces valine 459 with methionine.
Molecular consequence: missense variant.
Genome position (GRCh38, 1-based): chr16:548,213, G>A. VCF-style: chr16-548213-G-A. GRCh37 (hg19) VCF-style: chr16-598213-G-A.
Other names: short protein forms V459M.
Identifiers: ClinVar variation 4690039 (VCV004690039.1).
Genomic context (GRCh38, chr16:548,213, plus strand): 5'-CAGCTCCTGGTGGCCCAGCGGCGGGGGGCCGCGCCCCTGAGGCGCAGGGAGAGCATGCAC[G>A]TGGAGCAGCGGCGGCAGACAGACGAGGGCGAGGCCAAGGCACTCTGGGAGAACATCGTGG-3'
Protein context (NP_005623.1, residues 449-469): APLRRRESMH[Val459Met]EQRRQTDEGE